The following is an entry in ClinVar:

NM_001378030.1(CCDC78):c.593G>A (p.Arg198Gln)

Gene: CCDC78 (coiled-coil domain containing 78; minus strand). Cytogenetic location: 16p13.3.
Variant type: single nucleotide variant.
Coding change: c.593G>A on transcript NM_001378030.1 (MANE Select); coding-DNA position 593, G replaced by A.
Protein change: p.Arg198Gln; replaces arginine 198 with glutamine.
Molecular consequence: missense variant. On other transcripts: non-coding transcript variant (5), intron variant (1).
Genome position (GRCh38, 1-based): chr16:724,957, C>T on the plus strand (G>A on the coding strand, the complement: CCDC78 is on the minus strand). VCF-style: chr16-724957-C-T. GRCh37 (hg19) VCF-style: chr16-774957-C-T.
Other names: c.593G>A (NM_001031737.2); c.593G>A, p.Arg198Gln (NM_001031737.3, NM_001378031.1); c.198+121G>A (NM_001378033.1); short protein forms R198Q.
Identifiers: ClinVar variation 1051473 (VCV001051473.10), dbSNP rs763959604, ClinGen allele CA7789503.

ClinVar aggregate classification (germline): Conflicting classifications of pathogenicity. Review status: criteria provided, conflicting classifications (1 of 4 stars). 2 submissions from 2 submitters: Uncertain significance (1); Likely benign (1). Last evaluated 2025-07-02.

Conditions:
Inborn genetic diseases. Identifiers: MedGen C0950123, MeSH D030342.
Congenital myopathy with internal nuclei and atypical cores. Also called: Myopathy, centronuclear, 4. Identifiers: Orphanet 319160, MedGen C4707232, MONDO:0013890, OMIM 614807.

Allele frequency attached by ClinVar (database versions not stated): ExAC 0.00002; gnomAD exomes 0.00002 and 0.00003.

Submissions (2):

Ambry Genetics
Classification: Likely benign for Inborn genetic diseases. Last evaluated: 2025-07-02. Review status: criteria provided, single submitter. Criteria: Ambry Variant Classification Scheme 2023. Collection method: clinical testing. Allele origin: germline.

Labcorp Genetics (formerly Invitae), Labcorp
Classification: Uncertain significance for Congenital myopathy with internal nuclei and atypical cores. Last evaluated: 2024-10-26. Review status: criteria provided, single submitter. Criteria: Invitae Variant Classification Sherloc (09022015). Collection method: clinical testing. Allele origin: germline.
Comment: This sequence change replaces arginine, which is basic and polar, with glutamine, which is neutral and polar, at codon 198 of the CCDC78 protein (p.Arg198Gln). This variant is present in population databases (rs763959604, gnomAD 0.01%). This variant has not been reported in the literature in individuals affected with CCDC78-related conditions. ClinVar contains an entry for this variant (Variation ID: 1051473). Invitae Evidence Modeling of protein sequence and biophysical properties (such as structural, functional, and spatial information, amino acid conservation, physicochemical variation, residue mobility, and thermodynamic stability) indicates that this missense variant is not expected to disrupt CCDC78 protein function with a negative predictive value of 80%. In summary, the available evidence is currently insufficient to determine the role of this variant in disease. Therefore, it has been classified as a Variant of Uncertain Significance.